The following is an entry in ClinVar:

ClinVar aggregate classification (germline): Uncertain significance (1 of 4 stars; one submission).

Conditions:
Cardiovascular phenotype. Identifiers: MedGen CN230736.

Submission:

Ambry Genetics
Classification: Uncertain significance for Cardiovascular phenotype. Last evaluated: 2022-03-11. Review status: criteria provided, single submitter. Criteria: Ambry Variant Classification Scheme 2023. Collection method: clinical testing. Allele origin: germline.
Comment: The c.1699dupC variant, located in coding exon 4 of the JPH2 gene, results from a duplication of C at nucleotide position 1699, causing a translational frameshift with a predicted alternate stop codon (p.H567Pfs*16). This alteration is expected to result in loss of function by premature protein truncation or nonsense-mediated mRNA decay. Although biallelic loss of function alterations in JPH2 have been associated with autosomal recessive dilated cardiomyopathy, haploinsufficiency for JPH2 has not been clearly established as a mechanism of disease for autosomal dominant hypertrophic cardiomyopathy. Based on the supporting evidence, this variant is expected to be causative of autosomal recessive dilated cardiomyopathy when present along with a second pathogenic variant on the other allele; however, its clinical significance for autosomal dominant hypertrophic cardiomyopathy is unclear.

NM_020433.5(JPH2):c.1699dup (p.His567fs)

Gene: JPH2 (junctophilin 2; minus strand). Cytogenetic location: 20q13.12.
Variant type: Duplication.
Coding change: c.1699dup on transcript NM_020433.5 (MANE Select); coding-DNA position 1699, one base duplicated (C; older notation c.1699dupC).
Protein change: p.His567fs; shifts the reading frame from histidine 567.
Molecular consequence: frameshift variant.
Genome position (GRCh38, 1-based): chr20:44,115,976, G duplicated on the plus strand (C on the coding strand, the reverse complement: JPH2 is on the minus strand); the first of 2 consecutive G bases (chr20:44,115,976-44,115,977); duplicating either gives the same sequence. VCF-style (leftmost placement, unchanged base first): chr20-44115975-T-TG. GRCh37 (hg19) VCF-style: chr20-42744615-T-TG.
Other names: c.1699dupC (NM_020433.4); short protein forms H567fs.
Identifiers: ClinVar variation 1778291 (VCV001778291.2), dbSNP rs2515718025, ClinGen allele CA2580098200.